The following is an entry in ClinVar:

ClinVar aggregate classification (germline): Uncertain significance. Review status: criteria provided, multiple submitters, no conflicts (2 of 4 stars). 2 submissions from 2 submitters: Uncertain significance (2). Last evaluated 2022-02-04.

Conditions:
Immunodeficiency 35 (IMD35). Also called: TYK2 DEFICIENCY; Susceptibility to infection due to TYK2 deficiency; HIES WITH ATYPICAL MYCOBACTERIOSIS, AUTOSOMAL RECESSIVE; HYPER-IgE SYNDROME WITH ATYPICAL MYCOBACTERIOSIS, AUTOSOMAL RECESSIVE. Identifiers: Orphanet 331226, MedGen C1969086, MONDO:0012682, OMIM 611521.
Inborn genetic diseases. Identifiers: MedGen C0950123, MeSH D030342.

gnomAD v4.1: 1 of 1,493,634 alleles (0.000067%); no homozygotes.

Submissions (2):

Labcorp Genetics (formerly Invitae), Labcorp
Classification: Uncertain significance for Immunodeficiency 35. Last evaluated: 2022-02-04. Review status: criteria provided, single submitter. Criteria: Invitae Variant Classification Sherloc (09022015). Collection method: clinical testing. Allele origin: germline.
Comment: This sequence change replaces glycine, which is neutral and non-polar, with arginine, which is basic and polar, at codon 996 of the TYK2 protein (p.Gly996Arg). This variant is not present in population databases (gnomAD no frequency). This variant has not been reported in the literature in individuals affected with TYK2-related conditions. Algorithms developed to predict the effect of missense changes on protein structure and function are either unavailable or do not agree on the potential impact of this missense change (SIFT: "Not Available"; PolyPhen-2: "Benign"; Align-GVGD: "Not Available"). In summary, the available evidence is currently insufficient to determine the role of this variant in disease. Therefore, it has been classified as a Variant of Uncertain Significance.

Ambry Genetics
Classification: Uncertain significance for Inborn genetic diseases. Last evaluated: 2022-01-26. Review status: criteria provided, single submitter. Criteria: Ambry Variant Classification Scheme 2023. Collection method: clinical testing. Allele origin: germline.

NM_003331.5(TYK2):c.2986G>C (p.Gly996Arg)

Gene: TYK2 (tyrosine kinase 2; minus strand). Cytogenetic location: 19p13.2.
Variant type: single nucleotide variant.
Coding change: c.2986G>C on transcript NM_003331.5 (MANE Select); coding-DNA position 2986, G replaced by C.
Protein change: p.Gly996Arg; replaces glycine 996 with arginine.
Molecular consequence: missense variant.
Genome position (GRCh38, 1-based): chr19:10,353,569, C>G on the plus strand (G>C on the coding strand, the complement: TYK2 is on the minus strand). VCF-style: chr19-10353569-C-G. GRCh37 (hg19) VCF-style: chr19-10464245-C-G.
Other names: c.2986G>C, p.Gly996Arg (NM_001385197.1, NM_001385198.1); c.2800G>C, p.Gly934Arg (NM_001385199.1); c.2983G>C, p.Gly995Arg (NM_001385200.1); c.2788G>C, p.Gly930Arg (NM_001385201.1); c.2902G>C, p.Gly968Arg (NM_001385202.1); c.3067G>C, p.Gly1023Arg (NM_001385203.1); c.3196G>C, p.Gly1066Arg (NM_001385204.1); c.2896G>C, p.Gly966Arg (NM_001385205.1); and 3 more; short protein forms G1066R, G968R, G1023R, G934R, G954R, G990R, G996R, G930R.
Identifiers: ClinVar variation 1432588 (VCV001432588.6), dbSNP rs772177678, ClinGen allele CA403985070.
Genomic context (GRCh38, chr19:10,353,569, plus strand): 5'-AGGGGCGGGGCCGACCAACCTCGCAGATCTGCTGGGCGAAGAGCAGCAGCTGGGCCAGCC[C>G]GATGCTGTGCCGGGGCAGGTAGTCTCGGAGGCTGCCCAGGGGCACGTACTCCATGACCAG-3'
Protein context (NP_003322.3, residues 986-1006): LRDYLPRHSI[Gly996Arg]LAQLLLFAQQ